The following is an entry in ClinVar:

ClinVar aggregate classification (germline): Uncertain significance. Review status: criteria provided, multiple submitters, no conflicts (2 of 4 stars). 5 submissions from 5 submitters: Uncertain significance (5). Last evaluated 2025-11-09.

Conditions:
Inborn genetic diseases. Identifiers: MedGen C0950123, MeSH D030342.
Dyskeratosis congenita, autosomal recessive 6 (DKCB6). Identifiers: MedGen C4225356, MONDO:0014600, OMIM 616353.
Pulmonary fibrosis and/or bone marrow failure, Telomere-related, 4. Also called: PULMONARY FIBROSIS AND/OR BONE MARROW FAILURE SYNDROME, TELOMERE-RELATED, 4. Identifiers: Orphanet 2032, MedGen C4225347, MONDO:0014612, OMIM 616371.

Allele frequency attached by ClinVar (database versions not stated): gnomAD exomes below 0.00001 and 0.00003; TOPMed 0.00001.
gnomAD v4.1: 13 of 1,562,958 alleles (0.00083%); highest among the groups gnomAD compares: East Asian, 0.009%; no homozygotes.

Submissions (5):

Labcorp Genetics (formerly Invitae), Labcorp
Classification: Uncertain significance for Dyskeratosis congenita, autosomal recessive 6; Pulmonary fibrosis and/or bone marrow failure, Telomere-related, 4. Last evaluated: 2025-11-09. Review status: criteria provided, single submitter. Criteria: Invitae Variant Classification Sherloc (09022015). Collection method: clinical testing. Allele origin: germline.
Comment: This sequence change replaces serine, which is neutral and polar, with asparagine, which is neutral and polar, at codon 194 of the PARN protein (p.Ser194Asn). This variant is present in population databases (rs374622245, gnomAD 0.01%). This variant has not been reported in the literature in individuals affected with PARN-related conditions. ClinVar contains an entry for this variant (Variation ID: 1011094). Invitae Evidence Modeling of protein sequence and biophysical properties (such as structural, functional, and spatial information, amino acid conservation, physicochemical variation, residue mobility, and thermodynamic stability) indicates that this missense variant is not expected to disrupt PARN protein function with a negative predictive value of 80%. In summary, the available evidence is currently insufficient to determine the role of this variant in disease. Therefore, it has been classified as a Variant of Uncertain Significance.

Ambry Genetics
Classification: Uncertain significance for Inborn genetic diseases. Last evaluated: 2025-10-18. Review status: criteria provided, single submitter. Criteria: Ambry Variant Classification Scheme 2023. Collection method: clinical testing. Allele origin: germline.

Blueprint Genetics
Classification: Uncertain significance. Last evaluated: 2024-07-02. Review status: criteria provided, single submitter. Criteria: ACMG Guidelines, 2015. Collection method: clinical testing. Allele origin: germline.

Fulgent Genetics
Classification: Uncertain significance for Dyskeratosis congenita, autosomal recessive 6; Pulmonary fibrosis and/or bone marrow failure, Telomere-related, 4. Last evaluated: 2024-06-21. Review status: criteria provided, single submitter. Criteria: ACMG Guidelines, 2015. Collection method: clinical testing. Allele origin: germline.

Genetic Services Laboratory, University of Chicago
Classification: Uncertain significance. Last evaluated: 2019-09-17. Review status: criteria provided, single submitter. Criteria: ACMG Guidelines, 2015. Collection method: clinical testing. Allele origin: germline. Affected: no.

NM_002582.4(PARN):c.581G>A (p.Ser194Asn)

Gene: PARN (poly(A)-specific ribonuclease; minus strand). Cytogenetic location: 16p13.12.
Variant type: single nucleotide variant.
Coding change: c.581G>A on transcript NM_002582.4 (MANE Select); coding-DNA position 581, G replaced by A.
Protein change: p.Ser194Asn; replaces serine 194 with asparagine.
Molecular consequence: missense variant.
Genome position (GRCh38, 1-based): chr16:14,609,097, C>T on the plus strand (G>A on the coding strand, the complement: PARN is on the minus strand). VCF-style: chr16-14609097-C-T. GRCh37 (hg19) VCF-style: chr16-14702954-C-T.
Other names: c.398G>A, p.Ser133Asn (NM_001134477.3); c.443G>A, p.Ser148Asn (NM_001242992.2); short protein forms S133N, S148N, S194N.
Identifiers: ClinVar variation 1011094 (VCV001011094.14), dbSNP rs374622245, ClinGen allele CA278533220.
Genomic context (GRCh38, chr16:14,609,097, plus strand): 5'-GAAATGTTCAGGACAACTAACCCGGTACATGGCTCTAAATCCAAGTTCTTGTTTTCTTCA[C>T]TTTGTAATAAATCCTCTATTTTCTCTCTGAGGAATAAGAATAGACCATAACCATCAGTAC-3'
Protein context (NP_002573.1, residues 184-204): VVEKIEDLLQ[Ser194Asn]EENKNLDLEP